The following is an entry in ClinVar:

NM_015338.6(ASXL1):c.1200C>T (p.Ala400=)

Gene: ASXL1 (ASXL transcriptional regulator 1; plus strand). Cytogenetic location: 20q11.21.
Variant type: single nucleotide variant.
Coding change: c.1200C>T on transcript NM_015338.6 (MANE Select); coding-DNA position 1200, C replaced by T.
Protein change: p.Ala400=; no amino-acid change (alanine 400 retained).
Molecular consequence: synonymous variant.
Genome position (GRCh38, 1-based): chr20:32,433,398, C>T. VCF-style: chr20-32433398-C-T. GRCh37 (hg19) VCF-style: chr20-31021201-C-T.
Other names: c.1017C>T, p.Ala339= (NM_001363734.1).
Identifiers: ClinVar variation 1318540 (VCV001318540.8), dbSNP rs750058388, ClinGen allele CA9808317.

ClinVar aggregate classification (germline): Benign/Likely benign. Review status: criteria provided, multiple submitters, no conflicts (2 of 4 stars). 4 submissions from 4 submitters: Benign (1); Likely benign (2). 1 of the submissions does not count toward it. Last evaluated 2026-01-18.

Conditions:
Inborn genetic diseases. Identifiers: MedGen C0950123, MeSH D030342.
ASXL1-related disorder. Also called: ASXL1-related condition; ASXL1-related disorders.

Allele frequency attached by ClinVar (database versions not stated): TOPMed below 0.00001; gnomAD 0.00001 and 0.00004; gnomAD exomes 0.00007 and 0.00013; ExAC 0.00021.
gnomAD v4.1: 106 of 1,614,196 alleles (0.0066%); highest among the groups gnomAD compares: South Asian, 0.087%; no homozygotes.

Submissions (4):

Labcorp Genetics (formerly Invitae), Labcorp
Classification: Benign. Last evaluated: 2026-01-18. Review status: criteria provided, single submitter. Criteria: Invitae Variant Classification Sherloc (09022015). Collection method: clinical testing. Allele origin: germline.

Ambry Genetics
Classification: Likely benign for Inborn genetic diseases. Last evaluated: 2024-10-15. Review status: criteria provided, single submitter. Criteria: Ambry Variant Classification Scheme 2023. Collection method: clinical testing. Allele origin: germline.

GeneDx
Classification: Likely benign. Last evaluated: 2021-01-19. Review status: criteria provided, single submitter. Criteria: GeneDx Variant Classification Process June 2021. Collection method: clinical testing. Allele origin: germline. Affected: yes.

PreventionGenetics, part of Exact Sciences
Classification: Likely benign for ASXL1-related condition. Last evaluated: 2022-10-05. Review status: no assertion criteria provided. Collection method: clinical testing. Allele origin: germline. Not counted in ClinVar's aggregate classification.
Comment: This variant is classified as likely benign based on ACMG/AMP sequence variant interpretation guidelines (Richards et al. 2015 PMID: 25741868, with internal and published modifications).